The following is an entry in ClinVar:

NM_024753.5(TTC21B):c.2951-287T>C

Gene: TTC21B (tetratricopeptide repeat domain 21B; minus strand). Cytogenetic location: 2q24.3.
Variant type: single nucleotide variant.
Coding change: c.2951-287T>C on transcript NM_024753.5 (MANE Select); 287 bases into the intron before coding-DNA position 2951, T replaced by C.
Molecular consequence: intron variant.
Genome position (GRCh38, 1-based): chr2:165,891,275, A>G on the plus strand (T>C on the coding strand, the complement: TTC21B is on the minus strand). VCF-style: chr2-165891275-A-G. GRCh37 (hg19) VCF-style: chr2-166747785-A-G.
Identifiers: ClinVar variation 671929 (VCV000671929.1), dbSNP rs13404648, ClinGen allele CA11166012.

ClinVar aggregate classification (germline): Benign (1 of 4 stars; one submission).

Allele frequency attached by ClinVar (database versions not stated): TOPMed 0.42477; 1000 Genomes Project 30x 0.42895; gnomAD 0.43749 and 0.44038; 1000 Genomes Project 0.43950.
gnomAD v4.1: 66,999 of 151,836 alleles (44%); highest among the groups gnomAD compares: South Asian, 54%; 15,323 homozygotes.

Submission:

GeneDx
Classification: Benign. Last evaluated: 2018-06-19. Review status: criteria provided, single submitter. Criteria: GeneDx Variant Classification (06012015). Collection method: clinical testing. Allele origin: germline. Affected: yes.
Comment: This variant is considered likely benign or benign based on one or more of the following criteria: it is a conservative change, it occurs at a poorly conserved position in the protein, it is predicted to be benign by multiple in silico algorithms, and/or has population frequency not consistent with disease.